The following is an entry in ClinVar:

NM_006506.5(RASA2):c.883G>A (p.Asp295Asn)

Gene: RASA2 (RAS p21 protein activator 2; plus strand). Cytogenetic location: 3q23.
Variant type: single nucleotide variant.
Coding change: c.883G>A on transcript NM_006506.5 (MANE Select); coding-DNA position 883, G replaced by A.
Protein change: p.Asp295Asn; replaces aspartic acid 295 with asparagine.
Molecular consequence: missense variant.
Genome position (GRCh38, 1-based): chr3:141,570,931, G>A. VCF-style: chr3-141570931-G-A. GRCh37 (hg19) VCF-style: chr3-141289773-G-A.
Other names: c.883G>A, p.Asp295Asn (NM_001303245.3, NM_001303246.3); short protein forms D295N.
Identifiers: ClinVar variation 4841394 (VCV004841394.1).

ClinVar aggregate classification (germline): Uncertain significance (1 of 4 stars; one submission).

Submission:

Ambry Genetics
Classification: Uncertain significance. Last evaluated: 2026-01-12. Review status: criteria provided, single submitter. Criteria: Ambry Variant Classification Scheme 2023. Collection method: clinical testing. Allele origin: germline.
Comment: The p.D295N variant (also known as c.883G>A), located in coding exon 10 of the RASA2 gene, results from a G to A substitution at nucleotide position 883. The aspartic acid at codon 295 is replaced by asparagine, an amino acid with highly similar properties. This amino acid position is conserved. In addition, this alteration is predicted to be tolerated by in silico analysis. Based on the available evidence, the clinical significance of this variant remains unclear.